The following is an entry in ClinVar:

ClinVar aggregate classification (germline): Uncertain significance (1 of 4 stars; one submission).

Allele frequency attached by ClinVar (database versions not stated): ExAC 0.00001; TOPMed 0.00001; gnomAD 0.00002.

Submission:

Labcorp Genetics (formerly Invitae), Labcorp
Classification: Uncertain significance. Last evaluated: 2023-03-16. Review status: criteria provided, single submitter. Criteria: Invitae Variant Classification Sherloc (09022015). Collection method: clinical testing. Allele origin: germline.
Comment: In summary, the available evidence is currently insufficient to determine the role of this variant in disease. Therefore, it has been classified as a Variant of Uncertain Significance. An algorithm developed to predict the effect of missense changes on protein structure and function (PolyPhen-2) suggests that this variant is likely to be disruptive. This variant has not been reported in the literature in individuals affected with SON-related conditions. This variant is present in population databases (rs770739279, gnomAD 0.003%). This sequence change replaces methionine, which is neutral and non-polar, with threonine, which is neutral and polar, at codon 1103 of the SON protein (p.Met1103Thr).

NM_138927.4(SON):c.3308T>C (p.Met1103Thr)

Gene: SON (SON DNA and RNA binding protein; plus strand). Cytogenetic location: 21q22.11.
Variant type: single nucleotide variant.
Coding change: c.3308T>C on transcript NM_138927.4 (MANE Select); coding-DNA position 3308, T replaced by C.
Protein change: p.Met1103Thr; replaces methionine 1103 with threonine.
Molecular consequence: missense variant. On other transcripts: non-coding transcript variant (1), intron variant (1).
Genome position (GRCh38, 1-based): chr21:33,552,539, T>C. VCF-style: chr21-33552539-T-C. GRCh37 (hg19) VCF-style: chr21-34924845-T-C.
Other names: c.3308T>C, p.Met1103Thr (NM_001291411.2, NM_001412133.1, NM_032195.3 and 2 more transcripts); c.245-4617T>C (NM_001291412.3); short protein forms M1103T.
Identifiers: ClinVar variation 3022831 (VCV003022831.3), dbSNP rs770739279, ClinGen allele CA10009261.